The following is an entry in ClinVar:

NM_001040108.2(MLH3):c.360T>G (p.Phe120Leu)

Gene: MLH3 (mutL homolog 3; minus strand). Cytogenetic location: 14q24.3.
Variant type: single nucleotide variant.
Coding change: c.360T>G on transcript NM_001040108.2 (MANE Select); coding-DNA position 360, T replaced by G.
Protein change: p.Phe120Leu; replaces phenylalanine 120 with leucine.
Molecular consequence: missense variant.
Genome position (GRCh38, 1-based): chr14:75,049,296, A>C on the plus strand (T>G on the coding strand, the complement: MLH3 is on the minus strand). VCF-style: chr14-75049296-A-C. GRCh37 (hg19) VCF-style: chr14-75515999-A-C.
Other names: c.360T>G, p.Phe120Leu (NM_014381.3); short protein forms F120L.
Identifiers: ClinVar variation 1733224 (VCV001733224.3), dbSNP rs1892500587, ClinGen allele CA390450804.

ClinVar aggregate classification (germline): Uncertain significance (1 of 4 stars; one submission).

Submission:

Ambry Genetics
Classification: Uncertain significance. Last evaluated: 2025-05-08. Review status: criteria provided, single submitter. Criteria: Ambry Variant Classification Scheme 2023. Collection method: clinical testing. Allele origin: germline.
Comment: The p.F120L variant (also known as c.360T>G), located in coding exon 1 of the MLH3 gene, results from a T to G substitution at nucleotide position 360. The phenylalanine at codon 120 is replaced by leucine, an amino acid with highly similar properties. This amino acid position is conserved. In addition, this alteration is predicted to be tolerated by in silico analysis. Since supporting evidence is limited at this time, the clinical significance of this alteration remains unclear.